The following is an entry in ClinVar:

NC_000003.11:g.(?_50513539)_(50540854_?)del

Gene: CACNA2D2 (calcium voltage-gated channel auxiliary subunit alpha2delta 2; minus strand). Cytogenetic location: 3p21.31.
Variant type: Deletion.
Identifiers: ClinVar variation 1457005 (VCV001457005.6).

ClinVar aggregate classification (germline): Pathogenic (1 of 4 stars; one submission).

Conditions:
Developmental and epileptic encephalopathy. Identifiers: MedGen C5779964, MONDO:0100620.

Submission:

Labcorp Genetics (formerly Invitae), Labcorp
Classification: Pathogenic for Early-infantile DEE. Last evaluated: 2022-08-16. Review status: criteria provided, single submitter. Criteria: Invitae Variant Classification Sherloc (09022015). Collection method: clinical testing. Allele origin: germline.
Comment: For these reasons, this variant has been classified as Pathogenic. This variant has not been reported in the literature in individuals affected with CACNA2D2-related conditions. This variant is a gross deletion of the genomic region encompassing exon(s) 1-2 of the CACNA2D2 gene, which includes the initiator codon. This deletion extends beyond the assayed region for this gene and therefore may encompass additional genes. It is expected to result in an absent or disrupted protein product. Loss-of-function variants in CACNA2D2 are known to be pathogenic (PMID: 24358150).

Literature cited by the submitters: PubMed 24358150.